The following is an entry in ClinVar:

ClinVar aggregate classification (germline): Benign/Likely benign. Review status: criteria provided, multiple submitters, no conflicts (2 of 4 stars). 6 submissions from 4 submitters: Benign (5); Likely benign (1). Last evaluated 2021-12-05.

Conditions:
ANO5-Related Muscle Diseases. Identifiers: MedGen CN180644.
Miyoshi muscular dystrophy 3 (MMD3). Also called: Miyoshi Muscular Dystrophy 3 (MMD3); Miyoshi myopathy 3. Identifiers: Orphanet 399096, MedGen C2750076, MONDO:0013222, OMIM 613319.
Gnathodiaphyseal dysplasia (GDD). Also called: GNATHODIAPHYSEAL SCLEROSIS; OSTEOGENESIS IMPERFECTA WITH UNUSUAL SKELETAL LESIONS. Identifiers: Orphanet 53697, MedGen C1833736, MONDO:0008151, OMIM 166260.
Autosomal recessive limb-girdle muscular dystrophy type 2L (LGMDR12). Also called: Limb-girdle muscular dystrophy, type 2L; Limb-Girdle Muscular Dystrophy R12 Anoctamin-5-Related (LGMD-R12); MUSCULAR DYSTROPHY, LIMB-GIRDLE, AUTOSOMAL RECESSIVE 12. Identifiers: Orphanet 206549, MedGen C1969785, MONDO:0012652, OMIM 611307.

Allele frequency attached by ClinVar (database versions not stated): 1000 Genomes Project 0.09145; gnomAD 0.09317 and 0.09970; 1000 Genomes Project 30x 0.09369; TOPMed 0.10359.

Submissions (6):

Genome-Nilou Lab
Classification: Benign for Gnathodiaphyseal dysplasia. Last evaluated: 2021-12-05. Review status: criteria provided, single submitter. Criteria: ACMG Guidelines, 2015. Collection method: clinical testing. Allele origin: germline. Affected: no.

Genome-Nilou Lab
Classification: Benign for Miyoshi muscular dystrophy 3. Last evaluated: 2021-12-05. Review status: criteria provided, single submitter. Criteria: ACMG Guidelines, 2015. Collection method: clinical testing. Allele origin: germline. Affected: no.

Genome-Nilou Lab
Classification: Benign for Autosomal recessive limb-girdle muscular dystrophy type 2L. Last evaluated: 2021-12-05. Review status: criteria provided, single submitter. Criteria: ACMG Guidelines, 2015. Collection method: clinical testing. Allele origin: germline. Affected: no.

GeneDx
Classification: Benign. Last evaluated: 2021-05-10. Review status: criteria provided, single submitter. Criteria: GeneDx Variant Classification Process June 2021. Collection method: clinical testing. Allele origin: germline. Affected: yes.

Illumina Laboratory Services, Illumina
Classification: Benign for ANO5-Related Muscle Diseases. Last evaluated: 2018-01-12. Review status: criteria provided, single submitter. Criteria: ICSL Variant Classification Criteria 13 December 2019. Collection method: clinical testing. Allele origin: germline.
Comment: This variant was observed in the ICSL laboratory as part of a predisposition screen in an ostensibly healthy population. It had not been previously curated by ICSL or reported in the Human Gene Mutation Database (HGMD: prior to June 1st, 2018), and was therefore a candidate for classification through an automated scoring system. Utilizing variant allele frequency, disease prevalence and penetrance estimates, and inheritance mode, an automated score was calculated to assess if this variant is too frequent to cause the disease. Based on the score and internal cut-off values, a variant classified as benign is not then subjected to further curation. The score for this variant resulted in a classification of benign for this disease.

Breakthrough Genomics
Classification: Likely benign. Review status: criteria provided, single submitter. Criteria: ACMG Guidelines, 2015. Collection method: not provided. Allele origin: germline. Inheritance: Autosomal recessive inheritance. Affected: yes.

NM_213599.3(ANO5):c.*1521T>C

Gene: ANO5 (anoctamin 5; plus strand). Cytogenetic location: 11p14.3.
Variant type: single nucleotide variant.
Coding change: c.*1521T>C on transcript NM_213599.3 (MANE Select); 1521 bases downstream of the stop codon, T replaced by C.
Molecular consequence: 3 prime UTR variant.
Genome position (GRCh38, 1-based): chr11:22,281,286, T>C. VCF-style: chr11-22281286-T-C. GRCh37 (hg19) VCF-style: chr11-22302832-T-C.
Other names: c.*1521T>C (NM_001142649.2).
Identifiers: ClinVar variation 304134 (VCV000304134.9), dbSNP rs73483433, ClinGen allele CA10638175.